The following is an entry in ClinVar:

ClinVar aggregate classification (germline): Uncertain significance. Review status: criteria provided, multiple submitters, no conflicts (2 of 4 stars). 2 submissions from 2 submitters: Uncertain significance (2). Last evaluated 2023-09-25.

Conditions:
Inborn genetic diseases. Identifiers: MedGen C0950123, MeSH D030342.
Nemaline myopathy 9 (NEM9). Identifiers: MedGen C3810384, MONDO:0014326, OMIM 615731.

Allele frequency attached by ClinVar (database versions not stated): gnomAD 0.00001; gnomAD exomes 0.00001; TOPMed 0.00003.
gnomAD v4.1: 6 of 1,611,358 alleles (0.00037%); highest among the groups gnomAD compares: African/African-American, 0.0013%; no homozygotes.

Submissions (2):

Ambry Genetics
Classification: Uncertain significance for Inborn genetic diseases. Last evaluated: 2023-09-25. Review status: criteria provided, single submitter. Criteria: Ambry Variant Classification Scheme 2023. Collection method: clinical testing. Allele origin: germline.

Labcorp Genetics (formerly Invitae), Labcorp
Classification: Uncertain significance for Nemaline myopathy 9. Last evaluated: 2023-08-27. Review status: criteria provided, single submitter. Criteria: Invitae Variant Classification Sherloc (09022015). Collection method: clinical testing. Allele origin: germline.
Comment: In summary, the available evidence is currently insufficient to determine the role of this variant in disease. Therefore, it has been classified as a Variant of Uncertain Significance. Advanced modeling of protein sequence and biophysical properties (such as structural, functional, and spatial information, amino acid conservation, physicochemical variation, residue mobility, and thermodynamic stability) performed at Invitae indicates that this missense variant is not expected to disrupt KLHL41 protein function. This variant has not been reported in the literature in individuals affected with KLHL41-related conditions. This variant is present in population databases (no rsID available, gnomAD 0.01%). This sequence change replaces tyrosine, which is neutral and polar, with cysteine, which is neutral and slightly polar, at codon 438 of the KLHL41 protein (p.Tyr438Cys).

NM_006063.3(KLHL41):c.1313A>G (p.Tyr438Cys)

Gene: KLHL41 (kelch like family member 41; plus strand). Cytogenetic location: 2q31.1.
Variant type: single nucleotide variant.
Coding change: c.1313A>G on transcript NM_006063.3 (MANE Select); coding-DNA position 1313, A replaced by G.
Protein change: p.Tyr438Cys; replaces tyrosine 438 with cysteine.
Molecular consequence: missense variant.
Genome position (GRCh38, 1-based): chr2:169,514,898, A>G. VCF-style: chr2-169514898-A-G. GRCh37 (hg19) VCF-style: chr2-170371408-A-G.
Other names: c.1313A>G (NM_006063.2); short protein forms Y438C.
Identifiers: ClinVar variation 2913876 (VCV002913876.4), dbSNP rs911075501, ClinGen allele CA59945337.
Genomic context (GRCh38, chr2:169,514,898, plus strand): 5'-TCTCGTTTAATTTTAGGGCTGCAAAATGGAACGAAGTAAAAAAACTCCCTATCAAAGTCT[A>G]TGGCCATAATGTGATTTCACATAAAGGGATGATATATTGTCTAGGAGGAAAGACAGATGA-3'
Protein context (NP_006054.2, residues 428-448): NEVKKLPIKV[Tyr438Cys]GHNVISHKGM